The following is an entry in ClinVar:

NM_000516.7(GNAS):c.348dup (p.Val117fs)

Gene: GNAS (GNAS complex locus; plus strand). Cytogenetic location: 20q13.32.
Variant type: Duplication.
Coding change: c.348dup on transcript NM_000516.7 (MANE Select); coding-DNA position 348, one base duplicated (C; older notation c.348dupC).
Protein change: p.Val117fs; shifts the reading frame from valine 117.
Molecular consequence: frameshift variant. On other transcripts: 3 prime UTR variant (2).
Genome position (GRCh38, 1-based): chr20:58,903,707, C duplicated; the last of 6 consecutive C bases (chr20:58,903,702-58,903,707); duplicating any one gives the same sequence. VCF-style (leftmost placement, unchanged base first): chr20-58903701-G-GC. GRCh37 (hg19) VCF-style: chr20-57478756-G-GC.
Other names: c.351dup, p.Val118fs (NM_001077488.5); c.303dup, p.Val102fs (NM_001077489.4); c.*209dup (NM_001077490.3); c.171dup, p.Val58fs (NM_001309840.2, NM_001309861.2); c.*254dup (NM_016592.5); c.2277dup, p.Val760fs (NM_080425.4); c.306dup, p.Val103fs (NM_080426.4); c.348dup (NM_000516.4); and 1 more; short protein forms V58fs, V102fs, V760fs, V103fs, V117fs, V118fs.
Identifiers: ClinVar variation 871093 (VCV000871093.51), dbSNP rs2090848106, ClinGen allele CA511084737.

ClinVar aggregate classification (germline): Pathogenic. Review status: criteria provided, multiple submitters, no conflicts (2 of 4 stars). 7 submissions from 7 submitters: Pathogenic (6). 1 of the submissions does not count toward it. Last evaluated 2024-05-26.

Conditions:
Pseudohypoparathyroidism type I A (PHP1A). Also called: Pseudohypoparathyroidism Ia (PHP-Ia); Pseudohypoparathyroidism type 1A; ALBRIGHT HEREDITARY OSTEODYSTROPHY WITH MULTIPLE HORMONE RESISTANCE; Pseudohypoparathyroidism Type IA; PHP IA. Identifiers: Orphanet 79443, MedGen C3494506, MONDO:0007078, OMIM 103580.
Progressive osseous heteroplasia (POH). Also called: Progressive Osseus Heteroplasia (POH); Osteoma cutis; ECTOPIC OSSIFICATION, FAMILIAL; Osseus Heteroplasia, Progressive. Identifiers: Orphanet 2762, MedGen C0334041, MONDO:0008153, OMIM 166350, HP:0025027.
Pseudohypoparathyroidism type 1C (PHP1C). Also called: PSEUDOHYPOPARATHYROIDISM, TYPE IC; PHP IC; Pseudohypoparathyroidism Ic (PHP-Ic). Identifiers: Orphanet 79444, MedGen C2932716, MONDO:0012911, OMIM 612462.
Pituitary adenoma 3, multiple types. Also called: PITUITARY ADENOMA 3, ACTH-SECRETING, SOMATIC; PITUITARY ADENOMA 3, GROWTH HORMONE-SECRETING, SOMATIC. Identifiers: MedGen C4540135, MONDO:0054665, OMIM 617686.
McCune-Albright syndrome (MAS). Also called: ALBRIGHT SYNDROME; Albright's Syndrome; Albright's disease; Fibrous Dysplasia / McCune-Albright Syndrome; McCune-Albright syndrome, somatic, mosaic. Identifiers: Orphanet 562, MedGen C0242292, MONDO:0018919, OMIM 174800.
ACTH-independent macronodular adrenal hyperplasia 1 (AIMAH1). Also called: ACTH-independent macronodular adrenal hyperplasia, somatic; ACTH-INDEPENDENT MACRONODULAR ADRENOCORTICAL HYPERPLASIA; ADRENOCORTICOTROPIC HORMONE-INDEPENDENT MACRONODULAR ADRENAL HYPERPLASIA; CORTICOTROPIN-INDEPENDENT MACRONODULAR ADRENAL HYPERPLASIA; CUSHING SYNDROME, ADRENAL, DUE TO AIMAH. Identifiers: MedGen C1857451, MONDO:0020735, OMIM 219080.
Pseudohypoparathyroidism type 1B (PHP1B). Also called: Pseudohypoparathyroidism Type IB; Pseudohypoparathyroidism Ib (PHP-Ib); PHP IB. Identifiers: Orphanet 94089, MedGen C1864100, MONDO:0011301, OMIM 603233.
Pseudopseudohypoparathyroidism (PPHP). Also called: ALBRIGHT HEREDITARY OSTEODYSTROPHY WITHOUT MULTIPLE HORMONE RESISTANCE; Pseudopseudohypoparathyroidism (PPHP). Identifiers: Orphanet 79445, MedGen C0033835, MONDO:0012912, OMIM 612463.
GNAS-related disorder. Identifiers: MedGen CN380105.

Submissions (7):

Labcorp Genetics (formerly Invitae), Labcorp
Classification: Pathogenic. Last evaluated: 2024-05-26. Review status: criteria provided, single submitter. Criteria: Invitae Variant Classification Sherloc (09022015). Collection method: clinical testing. Allele origin: germline.
Comment: This sequence change creates a premature translational stop signal (p.Val117Argfs*23) in the GNAS gene. It is expected to result in an absent or disrupted protein product. Loss-of-function variants in GNAS are known to be pathogenic (PMID: 11784876, 23281139, 23796510, 25802881). This variant is not present in population databases (gnomAD no frequency). This premature translational stop signal has been observed in individual(s) with clinical features of GNAS-related conditions (PMID: 12621129, 31886927). ClinVar contains an entry for this variant (Variation ID: 871093). For these reasons, this variant has been classified as Pathogenic.

GeneDx
Classification: Pathogenic. Last evaluated: 2022-08-26. Review status: criteria provided, single submitter. Criteria: GeneDx Variant Classification Process June 2021. Collection method: clinical testing. Allele origin: germline. Affected: yes.
Comment: Frameshift variant predicted to result in protein truncation or nonsense mediated decay in a gene for which loss of function is a known mechanism of disease; Not observed at significant frequency in large population cohorts (gnomAD); This variant is associated with the following publications: (PMID: 31886927, 12621129)

3billion
Classification: Pathogenic for Pseudohypoparathyroidism type I A. Last evaluated: 2022-05-22. Review status: criteria provided, single submitter. Criteria: ACMG Guidelines, 2015. Collection method: clinical testing. Allele origin: germline. Affected: yes. Observed: 1 heterozygote.
Comment: The variant is not observed in the gnomAD v2.1.1 dataset. Frameshift: predicted to result in a loss or disruption of normal protein function through nonsense-mediated decay (NMD) or protein truncation. Multiple pathogenic variants are reported downstream of the variant. The variant has been reported to be associated with GNAS related disorder (ClinVar ID: VCV000871093). Therefore, this variant is classified as pathogenic according to the recommendation of ACMG/AMP guideline.

Fulgent Genetics
Classification: Pathogenic for Pseudohypoparathyroidism type I A; Progressive osseous heteroplasia; McCune-Albright syndrome; ACTH-independent macronodular adrenal hyperplasia 1; Pseudohypoparathyroidism type 1B; Pseudohypoparathyroidism type 1C; Pseudopseudohypoparathyroidism; Pituitary adenoma 3, multiple types. Last evaluated: 2022-03-18. Review status: criteria provided, single submitter. Criteria: ACMG Guidelines, 2015. Collection method: clinical testing. Allele origin: unknown.

Genetic Services Laboratory, University of Chicago
Classification: Pathogenic. Last evaluated: 2021-11-29. Review status: criteria provided, single submitter. Criteria: ACMG Guidelines, 2015. Collection method: clinical testing. Allele origin: germline. Affected: yes.
Comment: DNA sequence analysis of the GNAS gene demonstrated a single base pair duplication in exon 5, c.348dup. This duplication results in an amino acid frameshift and creates a premature stop codon 23 amino acids downstream of the change, p.Val117Argfs*23. This pathogenic sequence change is predicted to result in an abnormal transcript, which may be degraded, or may lead to the production of a truncated GNAS protein with potentially abnormal function. The c.348dup sequence change has not been described in population databases such as ExAC and gnomAD. This pathogenic sequence change has previously been described in individuals with GNAS-related disorders including three individuals with a diagnosis of pseudohypoparathyroidism 1A (confirmed de novo in two cases) and one individual with a diagnosis of progressive osseous heteroplasia (paternally inherited) (PMID: 12621129, 20689139, 117848760.

CeGaT Center for Human Genetics Tuebingen
Classification: Pathogenic. Last evaluated: 2018-04-01. Review status: criteria provided, single submitter. Criteria: CeGaT Center For Human Genetics Tuebingen Variant Classification Criteria Version 2. Collection method: clinical testing. Allele origin: germline. Affected: yes. Observed: 1 variant allele.

PreventionGenetics, part of Exact Sciences
Classification: Pathogenic for GNAS-related condition. Last evaluated: 2024-04-10. Review status: no assertion criteria provided. Collection method: clinical testing. Allele origin: germline. Not counted in ClinVar's aggregate classification.
Comment: The GNAS c.348dupC variant is predicted to result in a frameshift and premature protein termination (p.Val117Argfs*23). This variant has been reported in a patient with pseudohypoparathyroidism type Ia (PHP-Ia) (De Sanctis et al. 2003. PubMed ID: 12621129) and in an additional large cohort study of individuals with GNAS-related disorders (Reported as c.351dup in Supp. Table 2, Snanoudj S et al 2020. PubMed ID: 31886927). This variant is not present in a large population database. Frameshift variants in GNAS are expected to be pathogenic. This variant is interpreted as pathogenic.

Literature cited by the submitters: PubMed 11784876 (cited by Labcorp Genetics (formerly Invitae), Labcorp); PubMed 23281139 (cited by Labcorp Genetics (formerly Invitae), Labcorp); PubMed 23796510 (cited by Labcorp Genetics (formerly Invitae), Labcorp); PubMed 25802881 (cited by Labcorp Genetics (formerly Invitae), Labcorp); PubMed 12621129 (cited by Labcorp Genetics (formerly Invitae), Labcorp); PubMed 31886927 (cited by Labcorp Genetics (formerly Invitae), Labcorp).